The following is an entry in ClinVar:

ClinVar aggregate classification (germline): Pathogenic/Likely pathogenic. Review status: criteria provided, multiple submitters, no conflicts (2 of 4 stars). 2 submissions from 2 submitters: Pathogenic (1); Likely pathogenic (1). Last evaluated 2025-07-30.

Conditions:
Congenital stationary night blindness 1G. Identifiers: Orphanet 215, MedGen C4225345, MONDO:0014614, OMIM 616389.
Congenital stationary night blindness autosomal dominant 3. Also called: NIGHT BLINDNESS, CONGENITAL STATIONARY, NOUGARET TYPE. Identifiers: Orphanet 215, MedGen C1864870, MONDO:0012497, OMIM 610444.

Allele frequency attached by ClinVar (database versions not stated): gnomAD exomes 0.00001; ExAC 0.00002; TOPMed 0.00003; ESP Exome Variant Server 0.00008.
gnomAD v4.1: 55 of 1,613,952 alleles (0.0034%); highest among the groups gnomAD compares: Non-Finnish European, 0.004%; no homozygotes.

Submissions (2):

Labcorp Genetics (formerly Invitae), Labcorp
Classification: Pathogenic. Last evaluated: 2025-07-30. Review status: criteria provided, single submitter. Criteria: Invitae Variant Classification Sherloc (09022015). Collection method: clinical testing. Allele origin: germline.
Comment: This sequence change creates a premature translational stop signal (p.Tyr91*) in the GNAT1 gene. It is expected to result in an absent or disrupted protein product. Loss-of-function variants in GNAT1 are known to be pathogenic (PMID: 11095744, 31736247). This variant is present in population databases (rs143481438, gnomAD 0.004%). This variant has not been reported in the literature in individuals affected with GNAT1-related conditions. ClinVar contains an entry for this variant (Variation ID: 1075132). Algorithms developed to predict the effect of sequence changes on RNA splicing suggest that this variant may disrupt the consensus splice site. For these reasons, this variant has been classified as Pathogenic.

Fulgent Genetics
Classification: Likely pathogenic for Congenital stationary night blindness autosomal dominant 3; Congenital stationary night blindness 1G. Last evaluated: 2022-02-25. Review status: criteria provided, single submitter. Criteria: ACMG Guidelines, 2015. Collection method: clinical testing. Allele origin: unknown.

Literature cited by the submitters: PubMed 11095744 (cited by Labcorp Genetics (formerly Invitae), Labcorp); PubMed 31736247 (cited by Labcorp Genetics (formerly Invitae), Labcorp).

NM_144499.3(GNAT1):c.273C>A (p.Tyr91Ter)

Gene: GNAT1 (G protein subunit alpha transducin 1; plus strand). Cytogenetic location: 3p21.31.
Variant type: single nucleotide variant.
Coding change: c.273C>A on transcript NM_144499.3 (MANE Select); coding-DNA position 273, C replaced by A.
Protein change: p.Tyr91Ter; replaces tyrosine 91 with a stop codon.
Molecular consequence: nonsense.
Genome position (GRCh38, 1-based): chr3:50,193,388, C>A. VCF-style: chr3-50193388-C-A. GRCh37 (hg19) VCF-style: chr3-50230821-C-A.
Other names: c.273C>A, p.Tyr91Ter (NM_000172.4); short protein forms Y91*.
Identifiers: ClinVar variation 1075132 (VCV001075132.6), dbSNP rs143481438, ClinGen allele CA2412494.